The following is an entry in ClinVar:

ClinVar aggregate classification (germline): Uncertain significance (1 of 4 stars; one submission).

Conditions:
Alveolar capillary dysplasia with pulmonary venous misalignment. Also called: Congenital alveolar capillary dysplasia; Alveolar capillary dysplasia with misalignment of pulmonary veins; ALVEOLAR CAPILLARY DYSPLASIA WITH MISALIGNMENT OF PULMONARY VEINS AND OTHER CONGENITAL ANOMALIES. Identifiers: Orphanet 210122, MedGen C2960310, MONDO:0009934, OMIM 265380.

Submission:

Baylor Genetics
Classification: Uncertain significance for Alveolar capillary dysplasia with pulmonary venous misalignment. Last evaluated: 2018-10-26. Review status: criteria provided, single submitter. Criteria: ACMG Guidelines, 2015. Collection method: clinical testing. Allele origin: de novo. Affected: yes.
Comment: This variant was determined to be of uncertain significance according to ACMG Guidelines, 2015 [PMID:25741868].

NM_001451.3(FOXF1):c.-2C>T

Gene: FOXF1 (forkhead box F1; plus strand). Cytogenetic location: 16q24.1.
Variant type: single nucleotide variant.
Coding change: c.-2C>T on transcript NM_001451.3 (MANE Select); 2 bases upstream of the start codon, C replaced by T.
Molecular consequence: 5 prime UTR variant.
Genome position (GRCh38, 1-based): chr16:86,510,568, C>T. VCF-style: chr16-86510568-C-T. GRCh37 (hg19) VCF-style: chr16-86544174-C-T.
Identifiers: ClinVar variation 1033844 (VCV001033844.2), dbSNP rs1969543882, ClinGen allele CA2239913334.